The following is an entry in ClinVar:

NM_000059.4(BRCA2):c.7925T>G (p.Phe2642Cys)

Gene: BRCA2 (BRCA2 DNA repair associated; plus strand). Cytogenetic location: 13q13.1.
Variant type: single nucleotide variant.
Coding change: c.7925T>G on transcript NM_000059.4 (MANE Select); coding-DNA position 7925, T replaced by G.
Protein change: p.Phe2642Cys; replaces phenylalanine 2642 with cysteine.
Molecular consequence: missense variant.
Genome position (GRCh38, 1-based): chr13:32,362,642, T>G. VCF-style: chr13-32362642-T-G. GRCh37 (hg19) VCF-style: chr13-32936779-T-G.
Other names: short protein forms F2642C.
Identifiers: ClinVar variation 489783 (VCV000489783.12), dbSNP rs1287337540, ClinGen allele CA387747198.

ClinVar aggregate classification (germline): Conflicting classifications of pathogenicity. Review status: criteria provided, conflicting classifications (1 of 4 stars). 4 submissions from 4 submitters: Uncertain significance (3); Likely benign (1). Last evaluated 2024-05-18.

Conditions:
Hereditary breast ovarian cancer syndrome. Also called: Breast and ovarian cancer; Hereditary breast and/or ovarian cancer syndrome; Hereditary breast and ovarian cancer; Hereditary breast and ovarian cancer syndrome (HBOC); BRCA1- and BRCA2-Associated Hereditary Breast and Ovarian Cancer; Hereditary breast and ovarian cancer syndrome. Identifiers: Orphanet 145, MedGen C0677776, MeSH D061325, MONDO:0003582. Disease mechanism: loss of function.
Familial cancer of breast. Also called: Hereditary breast cancer; BREAST CANCER, FAMILIAL; hereditary breast carcinoma. Identifiers: Orphanet 227535, MedGen C0346153, MONDO:0016419, OMIM 114480. Disease mechanism: loss of function.
Hereditary cancer-predisposing syndrome. Also called: Hereditary Cancer Syndrome; Neoplastic Syndromes, Hereditary; Tumor predisposition; Hereditary neoplastic syndrome. Identifiers: Orphanet 140162, MedGen C0027672, MeSH D009386, MONDO:0015356.

Submissions (4):

Labcorp Genetics (formerly Invitae), Labcorp
Classification: Uncertain significance for Hereditary breast ovarian cancer syndrome. Last evaluated: 2024-05-18. Review status: criteria provided, single submitter. Criteria: Invitae Variant Classification Sherloc (09022015). Collection method: clinical testing. Allele origin: germline.
Comment: This sequence change replaces phenylalanine, which is neutral and non-polar, with cysteine, which is neutral and slightly polar, at codon 2642 of the BRCA2 protein (p.Phe2642Cys). This variant is not present in population databases (gnomAD no frequency). This missense change has been observed in individual(s) with breast cancer (PMID: 26976419). ClinVar contains an entry for this variant (Variation ID: 489783). Advanced modeling performed at Invitae incorporating data from internal and/or published experimental studies (PMID: 33609447) indicates that this missense variant is not expected to disrupt BRCA2 function with a negative predictive value of 95%. In summary, the available evidence is currently insufficient to determine the role of this variant in disease. Therefore, it has been classified as a Variant of Uncertain Significance.

Baylor Genetics
Classification: Uncertain significance for Familial cancer of breast. Last evaluated: 2023-08-30. Review status: criteria provided, single submitter. Criteria: ACMG Guidelines, 2015. Collection method: clinical testing. Allele origin: unknown.

Ambry Genetics
Classification: Likely benign for Hereditary cancer-predisposing syndrome. Last evaluated: 2020-02-25. Review status: criteria provided, single submitter. Criteria: Ambry Variant Classification Scheme 2023. Collection method: clinical testing. Allele origin: germline.

Color Diagnostics, LLC DBA Color Health
Classification: Uncertain significance for Hereditary cancer-predisposing syndrome. Last evaluated: 2019-04-17. Review status: criteria provided, single submitter. Criteria: ACMG Guidelines, 2015. Collection method: clinical testing. Allele origin: germline.

Literature cited by the submitters: PubMed 26976419 (cited by Labcorp Genetics (formerly Invitae), Labcorp); PubMed 33609447 (cited by Labcorp Genetics (formerly Invitae), Labcorp).